The following is an entry in ClinVar:

ClinVar aggregate classification (germline): Likely benign. Review status: criteria provided, multiple submitters, no conflicts (2 of 4 stars). 4 submissions from 4 submitters: Likely benign (4). Last evaluated 2024-11-22.

Conditions:
Primary ciliary dyskinesia. Also called: Ciliary dyskinesia. Identifiers: Orphanet 244, MedGen C0008780, MONDO:0016575, HP:0012265.

Allele frequency attached by ClinVar (database versions not stated): TOPMed 0.00003; ExAC 0.00004.
gnomAD v4.1: 82 of 1,613,724 alleles (0.0051%); highest among the groups gnomAD compares: Non-Finnish European, 0.0061%; 4 homozygotes.

Submissions (4):

Blueprint Genetics
Classification: Likely benign. Last evaluated: 2024-11-22. Review status: criteria provided, single submitter. Criteria: ACMG Guidelines, 2015. Collection method: clinical testing. Allele origin: germline.

Labcorp Genetics (formerly Invitae), Labcorp
Classification: Likely benign for Primary ciliary dyskinesia. Last evaluated: 2024-11-22. Review status: criteria provided, single submitter. Criteria: Invitae Variant Classification Sherloc (09022015). Collection method: clinical testing. Allele origin: germline.

CeGaT Center for Human Genetics Tuebingen
Classification: Likely benign. Last evaluated: 2023-07-01. Review status: criteria provided, single submitter. Criteria: CeGaT Center For Human Genetics Tuebingen Variant Classification Criteria Version 2. Collection method: clinical testing. Allele origin: germline. Affected: yes. Observed: 2 variant alleles.
Comment: DNAAF1: BP4, BP7

PreventionGenetics, part of Exact Sciences
Classification: Likely benign. Review status: criteria provided, single submitter. Criteria: ACMG Guidelines, 2015. Collection method: clinical testing. Allele origin: germline.

NM_178452.6(DNAAF1):c.1197G>A (p.Pro399=)

Gene: DNAAF1 (dynein axonemal assembly factor 1; plus strand). Cytogenetic location: 16q24.1.
Variant type: single nucleotide variant.
Coding change: c.1197G>A on transcript NM_178452.6 (MANE Select); coding-DNA position 1197, G replaced by A.
Protein change: p.Pro399=; no amino-acid change (proline 399 retained).
Molecular consequence: synonymous variant.
Genome position (GRCh38, 1-based): chr16:84,170,025, G>A. VCF-style: chr16-84170025-G-A. GRCh37 (hg19) VCF-style: chr16-84203631-G-A.
Other names: c.489G>A, p.Pro163= (NM_001318756.1).
Identifiers: ClinVar variation 262937 (VCV000262937.37), dbSNP rs775507447, ClinGen allele CA8202789.